The following is an entry in ClinVar:

NM_007194.4(CHEK2):c.1148C>T (p.Thr383Ile)

Gene: CHEK2 (checkpoint kinase 2; minus strand). Cytogenetic location: 22q12.1.
Variant type: single nucleotide variant.
Coding change: c.1148C>T on transcript NM_007194.4 (MANE Select); coding-DNA position 1148, C replaced by T.
Protein change: p.Thr383Ile; replaces threonine 383 with isoleucine.
Molecular consequence: missense variant.
Genome position (GRCh38, 1-based): chr22:28,695,821, G>A on the plus strand (C>T on the coding strand, the complement: CHEK2 is on the minus strand). VCF-style: chr22-28695821-G-A. GRCh37 (hg19) VCF-style: chr22-29091809-G-A.
Other names: c.1277C>T, p.Thr426Ile (NM_001005735.3); c.485C>T, p.Thr162Ile (NM_001257387.3); c.947C>T, p.Thr316Ile (NM_001349956.3); c.1061C>T, p.Thr354Ile (NM_145862.3); short protein forms T316I, T354I, T162I, T383I, T426I.
Identifiers: ClinVar variation 650604 (VCV000650604.16), dbSNP rs202089930, ClinGen allele CA323005974.

ClinVar aggregate classification (germline): Uncertain significance. Review status: criteria provided, multiple submitters, no conflicts (2 of 4 stars). 2 submissions from 2 submitters: Uncertain significance (2). Last evaluated 2026-01-12.

Conditions:
Familial cancer of breast. Also called: hereditary breast carcinoma; Hereditary breast cancer; BREAST CANCER, FAMILIAL. Identifiers: Orphanet 227535, MedGen C0346153, MONDO:0016419, OMIM 114480. Disease mechanism: loss of function.
Hereditary cancer-predisposing syndrome. Also called: Neoplastic Syndromes, Hereditary; Tumor predisposition; Hereditary Cancer Syndrome; Hereditary neoplastic syndrome. Identifiers: Orphanet 140162, MedGen C0027672, MeSH D009386, MONDO:0015356.

Submissions (2):

Labcorp Genetics (formerly Invitae), Labcorp
Classification: Uncertain significance for Familial cancer of breast. Last evaluated: 2026-01-12. Review status: criteria provided, single submitter. Criteria: Invitae Variant Classification Sherloc (09022015). Collection method: clinical testing. Allele origin: germline.
Comment: This sequence change replaces threonine, which is neutral and polar, with isoleucine, which is neutral and non-polar, at codon 383 of the CHEK2 protein (p.Thr383Ile). This variant is not present in population databases (gnomAD no frequency). This variant has not been reported in the literature in individuals affected with CHEK2-related conditions. ClinVar contains an entry for this variant (Variation ID: 650604). An algorithm developed to predict the effect of missense changes on protein structure and function (PolyPhen-2) suggests that this variant is likely to be disruptive. In summary, the available evidence is currently insufficient to determine the role of this variant in disease. Therefore, it has been classified as a Variant of Uncertain Significance.

Ambry Genetics
Classification: Uncertain significance for Hereditary cancer-predisposing syndrome. Last evaluated: 2023-08-29. Review status: criteria provided, single submitter. Criteria: Ambry Variant Classification Scheme 2023. Collection method: clinical testing. Allele origin: germline.
Comment: The p.T383I variant (also known as c.1148C>T), located in coding exon 10 of the CHEK2 gene, results from a C to T substitution at nucleotide position 1148. The threonine at codon 383 is replaced by isoleucine, an amino acid with similar properties. This amino acid position is highly conserved in available vertebrate species. In addition, this alteration is predicted to be deleterious by in silico analysis. Since supporting evidence is limited at this time, the clinical significance of this alteration remains unclear.